The following is an entry in ClinVar:

NM_003590.5(CUL3):c.483A>G (p.Leu161=)

Gene: CUL3 (cullin 3; minus strand). Cytogenetic location: 2q36.2.
Variant type: single nucleotide variant.
Coding change: c.483A>G on transcript NM_003590.5 (MANE Select); coding-DNA position 483, A replaced by G.
Protein change: p.Leu161=; no amino-acid change (leucine 161 retained).
Molecular consequence: synonymous variant.
Genome position (GRCh38, 1-based): chr2:224,514,668, T>C on the plus strand (A>G on the coding strand, the complement: CUL3 is on the minus strand). VCF-style: chr2-224514668-T-C. GRCh37 (hg19) VCF-style: chr2-225379385-T-C.
Other names: c.285A>G, p.Leu95= (NM_001257197.2); c.501A>G, p.Leu167= (NM_001257198.2).
Identifiers: ClinVar variation 2418319 (VCV002418319.28), dbSNP rs202244378, ClinGen allele CA2140197.

ClinVar aggregate classification (germline): Likely benign. Review status: criteria provided, multiple submitters, no conflicts (2 of 4 stars). 3 submissions from 3 submitters: Likely benign (3). Last evaluated 2025-06-08.

Allele frequency attached by ClinVar (database versions not stated): gnomAD 0.00003; TOPMed 0.00004; 1000 Genomes Project 30x 0.00016; 1000 Genomes Project 0.00020.
gnomAD v4.1: 57 of 1,613,832 alleles (0.0035%); highest among the groups gnomAD compares: Middle Eastern, 0.05%; no homozygotes.

Submissions (3):

Labcorp Genetics (formerly Invitae), Labcorp
Classification: Likely benign. Last evaluated: 2025-06-08. Review status: criteria provided, single submitter. Criteria: Invitae Variant Classification Sherloc (09022015). Collection method: clinical testing. Allele origin: germline.

Blueprint Genetics
Classification: Likely benign. Last evaluated: 2024-08-02. Review status: criteria provided, single submitter. Criteria: ACMG Guidelines, 2015. Collection method: clinical testing. Allele origin: germline.

CeGaT Center for Human Genetics Tuebingen
Classification: Likely benign. Last evaluated: 2024-04-01. Review status: criteria provided, single submitter. Criteria: CeGaT Center For Human Genetics Tuebingen Variant Classification Criteria Version 2. Collection method: clinical testing. Allele origin: germline. Affected: yes. Observed: 1 variant allele.
Comment: CUL3: BP4, BP7